The following is an entry in ClinVar:

NM_004595.5(SMS):c.844A>G (p.Ile282Val)

Gene: SMS (spermine synthase; plus strand). Cytogenetic location: Xp22.11.
Variant type: single nucleotide variant.
Coding change: c.844A>G on transcript NM_004595.5 (MANE Select); coding-DNA position 844, A replaced by G.
Protein change: p.Ile282Val; replaces isoleucine 282 with valine.
Molecular consequence: missense variant.
Genome position (GRCh38, 1-based): chrX:21,984,397, A>G. VCF-style: chrX-21984397-A-G. GRCh37 (hg19) VCF-style: chrX-22002515-A-G.
Other names: c.685A>G, p.Ile229Val (NM_001258423.2); short protein forms I282V, I229V.
Identifiers: ClinVar variation 839310 (VCV000839310.9), dbSNP rs1925184279, ClinGen allele CA412570469.

ClinVar aggregate classification (germline): Uncertain significance (1 of 4 stars; one submission).

Submission:

Labcorp Genetics (formerly Invitae), Labcorp
Classification: Uncertain significance. Last evaluated: 2019-02-09. Review status: criteria provided, single submitter. Criteria: Invitae Variant Classification Sherloc (09022015). Collection method: clinical testing. Allele origin: germline.
Comment: This variant has not been reported in the literature in individuals with SMS-related disease. This variant is not present in population databases (ExAC no frequency). This sequence change replaces isoleucine with valine at codon 282 of the SMS protein (p.Ile282Val). The isoleucine residue is highly conserved and there is a small physicochemical difference between isoleucine and valine. In summary, the available evidence is currently insufficient to determine the role of this variant in disease. Therefore, it has been classified as a Variant of Uncertain Significance. Algorithms developed to predict the effect of missense changes on protein structure and function do not agree on the potential impact of this missense change (SIFT: "Deleterious"; PolyPhen-2: "Benign"; Align-GVGD: "Class C0").